The following is an entry in ClinVar:

NM_006086.4(TUBB3):c.1165T>G (p.Phe389Val)

Gene: TUBB3 (tubulin beta 3 class III; plus strand). Cytogenetic location: 16q24.3.
Variant type: single nucleotide variant.
Coding change: c.1165T>G on transcript NM_006086.4 (MANE Select); coding-DNA position 1165, T replaced by G.
Protein change: p.Phe389Val; replaces phenylalanine 389 with valine.
Molecular consequence: missense variant.
Genome position (GRCh38, 1-based): chr16:89,935,616, T>G. VCF-style: chr16-89935616-T-G. GRCh37 (hg19) VCF-style: chr16-90002024-T-G.
Other names: c.949T>G, p.Phe317Val (NM_001197181.2); short protein forms F317V, F389V.
Identifiers: ClinVar variation 430430 (VCV000430430.2), dbSNP rs1131691959, ClinGen allele CA397476868.

ClinVar aggregate classification (germline): Uncertain significance (1 of 4 stars; one submission).

Submission:

GeneDx
Classification: Uncertain significance. Last evaluated: 2017-05-26. Review status: criteria provided, single submitter. Criteria: GeneDx Variant Classification (06012015). Collection method: clinical testing. Allele origin: germline. Affected: yes.
Comment: The F389V variant in the TUBB3 gene has not been reported previously as a pathogenic variant, nor as a benign variant, to our knowledge. The F389V variant is not observed in large population cohorts (Lek et al., 2016; 1000 Genomes Consortium et al., 2015; Exome Variant Server). The F389V variant is a semi-conservative amino acid substitution, which may impact secondary protein structure as these residues differ in some properties. This substitution occurs at a position that is conserved across species, and in silico analysis predicts this variant is probably damaging to the protein structure/function. We interpret F389V as a variant of uncertain significance.